The following is an entry in ClinVar:

NM_001197104.2(KMT2A):c.7062del (p.Phe2354fs)

Gene: KMT2A (lysine methyltransferase 2A; plus strand). Cytogenetic location: 11q23.3.
Variant type: Deletion.
Coding change: c.7062del on transcript NM_001197104.2 (MANE Select); coding-DNA position 7062, one base deleted (T; older notation c.7062delT).
Protein change: p.Phe2354fs; shifts the reading frame from phenylalanine 2354.
Molecular consequence: frameshift variant.
Genome position (GRCh38, 1-based): chr11:118,502,954, T deleted; the last of 3 consecutive T bases (chr11:118,502,952-118,502,954); deleting any one gives the same sequence. VCF-style (leftmost placement, unchanged base first): chr11-118502951-CT-C. GRCh37 (hg19) VCF-style: chr11-118373666-CT-C.
Other names: c.7152del, p.Phe2384fs (NM_001412597.1); c.7053del, p.Phe2351fs (NM_005933.4); short protein forms F2351fs, F2354fs, F2384fs.
Identifiers: ClinVar variation 4880574 (VCV004880574.2).

ClinVar aggregate classification (germline): Likely pathogenic (1 of 4 stars; one submission).

Conditions:
Wiedemann-Steiner syndrome (WDSTS). Also called: Growth deficiency and mental retardation with facial dysmorphism. Identifiers: Orphanet 319182, MedGen C1854630, MONDO:0011518, OMIM 605130.

Submission:

Dasa
Classification: Likely pathogenic for Wiedemann-Steiner syndrome. Last evaluated: 2025-11-14. Review status: criteria provided, single submitter. Criteria: DASA Assertion Criteria. Collection method: clinical testing. Allele origin: germline.
Comment: NM_001197104.2(KMT2A):c.7062del (p.Phe2354Leufs*22) is a frameshift variant in KMT2A predicted to alter the reading frame and introduce a premature termination codon and is predicted to result in an absent or altered protein product. Loss of function is an established disease mechanism for KMT2A (PMID: 22795537; PMID: 24818805; PMID: 27759909). Also, this variant is absent from population databases. Based on the currently available evidence, this variant is classified as likely pathogenic.

Literature cited by the submitters: PubMed 22795537; PubMed 24818805; PubMed 27759909.